The following is an entry in ClinVar:

NM_004082.5(DCTN1):c.2691C>T (p.Ile897=)

Gene: DCTN1 (dynactin subunit 1; minus strand). Cytogenetic location: 2p13.1.
Variant type: single nucleotide variant.
Coding change: c.2691C>T on transcript NM_004082.5 (MANE Select); coding-DNA position 2691, C replaced by T.
Protein change: p.Ile897=; no amino-acid change (isoleucine 897 retained).
Molecular consequence: synonymous variant. On other transcripts: non-coding transcript variant (1).
Genome position (GRCh38, 1-based): chr2:74,366,313, G>A on the plus strand (C>T on the coding strand, the complement: DCTN1 is on the minus strand). VCF-style: chr2-74366313-G-A. GRCh37 (hg19) VCF-style: chr2-74593440-G-A.
Other names: c.2631C>T, p.Ile877= (NM_001135040.3); c.2289C>T, p.Ile763= (NM_001135041.3, NM_023019.4); c.2580C>T, p.Ile860= (NM_001190836.2); c.2670C>T, p.Ile890= (NM_001190837.2); c.2640C>T, p.Ile880= (NM_001378991.1); c.2622C>T, p.Ile874= (NM_001378992.1).
Identifiers: ClinVar variation 5041309 (VCV005041309.1).
Genomic context (GRCh38, chr2:74,366,313, plus strand): 5'-GGGCCGCTCTGCATCATACTCCCCCTCCTGCATGGCTGTGGCCAGCTTGTTCATGGTACT[G>A]ATGAGGATGTTGCATGACTGGCGCAGACACTCATAGGGGCTGCTGGAGGGGGTCCCATAG-3'
Protein context (NP_004073.2, residues 887-907): ECLRQSCNIL[Ile897=]STMNKLATAM

ClinVar aggregate classification (germline): Likely benign (1 of 4 stars; one submission).

Submission:

CeGaT Center for Human Genetics Tuebingen
Classification: Likely benign. Last evaluated: 2026-09-01. Review status: criteria provided, single submitter. Criteria: CeGaT Center For Human Genetics Tuebingen Variant Classification Criteria Version 2. Collection method: clinical testing. Allele origin: germline. Affected: yes. Observed: 1 variant allele.
Comment: DCTN1: PM2:Supporting, BP4, BP7